The following is an entry in ClinVar:

ClinVar aggregate classification (germline): Uncertain significance (1 of 4 stars; one submission).

Conditions:
GTP cyclohydrolase I deficiency. Identifiers: MedGen C0268467, MONDO:0100184.
Dystonia 5 (DRD). Also called: DYT-GCH1; DYSTONIA, PROGRESSIVE, WITH DIURNAL VARIATION; DYSTONIA-PARKINSONISM WITH DIURNAL FLUCTUATION; Dystonia, DOPA-responsive, with or without hyperphenylalaninemia; GTP Cyclohydrolase 1-Deficient Dopa-Responsive Dystonia. Identifiers: Orphanet 98808, MedGen C1851920, MONDO:0007495, OMIM 128230.

Submission:

Labcorp Genetics (formerly Invitae), Labcorp
Classification: Uncertain significance for GTP cyclohydrolase I deficiency; Dystonia 5. Last evaluated: 2025-06-16. Review status: criteria provided, single submitter. Criteria: Invitae Variant Classification Sherloc (09022015). Collection method: clinical testing. Allele origin: germline.
Comment: This sequence change replaces aspartic acid, which is acidic and polar, with tyrosine, which is neutral and polar, at codon 115 of the GCH1 protein (p.Asp115Tyr). This variant also falls at the last nucleotide of exon 1, which is part of the consensus splice site for this exon. This variant is not present in population databases (gnomAD no frequency). This missense change has been observed in individual(s) with clinical features of dystonia (internal data). An algorithm developed to predict the effect of missense changes on protein structure and function (PolyPhen-2) suggests that this variant is likely to be tolerated. Variants that disrupt the consensus splice site are a relatively common cause of aberrant splicing (PMID: 17576681, 9536098). Algorithms developed to predict the effect of sequence changes on RNA splicing suggest that this variant may disrupt the consensus splice site. In summary, the available evidence is currently insufficient to determine the role of this variant in disease. Therefore, it has been classified as a Variant of Uncertain Significance.

Literature cited by the submitters: PubMed 17576681; PubMed 9536098.

NM_000161.3(GCH1):c.343G>T (p.Asp115Tyr)

Gene: GCH1 (GTP cyclohydrolase 1; minus strand). Cytogenetic location: 14q22.2.
Variant type: single nucleotide variant.
Coding change: c.343G>T on transcript NM_000161.3 (MANE Select); coding-DNA position 343, G replaced by T.
Protein change: p.Asp115Tyr; replaces aspartic acid 115 with tyrosine.
Molecular consequence: missense variant.
Genome position (GRCh38, 1-based): chr14:54,902,321, C>A on the plus strand (G>T on the coding strand, the complement: GCH1 is on the minus strand). VCF-style: chr14-54902321-C-A. GRCh37 (hg19) VCF-style: chr14-55369039-C-A.
Other names: c.343G>T, p.Asp115Tyr (NM_001024024.2, NM_001024070.2, NM_001024071.2 and 1 more transcripts); short protein forms D115Y.
Identifiers: ClinVar variation 4784733 (VCV004784733.1).